The following is an entry in ClinVar:

ClinVar aggregate classification (germline): Likely pathogenic. Review status: criteria provided, multiple submitters, no conflicts (2 of 4 stars). 2 submissions from 2 submitters: Likely pathogenic (2). Last evaluated 2024-08-13.

Conditions:
Juvenile neuronal ceroid lipofuscinosis. Also called: Batten Disease. Identifiers: Orphanet 79264, MedGen CN293564, MONDO:0019262.
Neuronal ceroid lipofuscinosis. Also called: Neuronal Ceroid Lipofuscinoses. Identifiers: Orphanet 216, Orphanet 79263, MedGen C0027877, MONDO:0016295. Disease mechanism: loss of function.

Submissions (2):

Natera, Inc.
Classification: Likely pathogenic for Batten Disease. Last evaluated: 2024-08-13. Review status: criteria provided, single submitter. Criteria: Natera Variant Classification Schema (03/2026). Collection method: clinical testing. Allele origin: germline.
Comment: The c.222+1G>A variant in CLN3 is a canonical splice donor site variant predicted to affect pre-mRNA splicing, which may result in an abnormal transcript and altered protein product. This variant is expected to result in nonsense mediated decay, truncation, or a dysfunctional protein product. This variant is rare in the general population with a frequency below the threshold expected for the associated phenotype(s). Given the available evidence, this variant is classified as Likely Pathogenic.

Labcorp Genetics (formerly Invitae), Labcorp
Classification: Likely pathogenic for Neuronal ceroid lipofuscinosis. Last evaluated: 2023-08-29. Review status: criteria provided, single submitter. Criteria: Invitae Variant Classification Sherloc (09022015). Collection method: clinical testing. Allele origin: germline.
Comment: In summary, the currently available evidence indicates that the variant is pathogenic, but additional data are needed to prove that conclusively. Therefore, this variant has been classified as Likely Pathogenic. Algorithms developed to predict the effect of sequence changes on RNA splicing suggest that this variant may disrupt the consensus splice site. This variant has not been reported in the literature in individuals affected with CLN3-related conditions. This variant is not present in population databases (gnomAD no frequency). This sequence change affects a donor splice site in intron 4 of the CLN3 gene. It is expected to disrupt RNA splicing. Variants that disrupt the donor or acceptor splice site typically lead to a loss of protein function (PMID: 16199547), and loss-of-function variants in CLN3 are known to be pathogenic (PMID: 9311735, 28542676).

Literature cited by the submitters: PubMed 16199547 (cited by Labcorp Genetics (formerly Invitae), Labcorp); PubMed 9311735 (cited by Labcorp Genetics (formerly Invitae), Labcorp); PubMed 28542676 (cited by Labcorp Genetics (formerly Invitae), Labcorp).

NM_001042432.2(CLN3):c.222+1G>A

Gene: CLN3 (CLN3 lysosomal/endosomal transmembrane protein, battenin; minus strand). Cytogenetic location: 16p12.1.
Variant type: single nucleotide variant.
Coding change: c.222+1G>A on transcript NM_001042432.2 (MANE Select); the canonical splice donor site of the intron after coding-DNA position 222, G replaced by A.
Molecular consequence: splice donor variant. On other transcripts: initiator codon variant (1).
Genome position (GRCh38, 1-based): chr16:28,489,289, C>T on the plus strand (G>A on the coding strand, the complement: CLN3 is on the minus strand). VCF-style: chr16-28489289-C-T. GRCh37 (hg19) VCF-style: chr16-28500610-C-T.
Other names: c.60+1G>A (NM_001286109.2, NM_001286110.2); c.222+1G>A (NM_001286104.2, NM_000086.2); c.2+1G>A (NM_001286105.2).
Identifiers: ClinVar variation 2755868 (VCV002755868.4), dbSNP rs2506507383, ClinGen allele CA395346378.
Genomic context (GRCh38, chr16:28,489,289, plus strand): 5'-TCCCACCCCCTCATCTTCCCACAGGGACTAACCATGGTGGTGGTGGTAGAGAGTCACTTA[C>T]ATGGCTCTGGTTTCCCGATGTCCTCTTGTGGCTAAGGATGTCGTGGGCGGCACTCAGCAT-3'